The following is an entry in ClinVar:

ClinVar aggregate classification (germline): Likely benign (1 of 4 stars; one submission).

Allele frequency attached by ClinVar (database versions not stated): 1000 Genomes Project 0.00599; 1000 Genomes Project 30x 0.00640; TOPMed 0.01274; gnomAD 0.01589 and 0.01595; gnomAD exomes 0.02078.
gnomAD v4.1: 14,989 of 762,574 alleles (2%); highest among the groups gnomAD compares: Non-Finnish European, 2.4%; 264 homozygotes.

Submission:

GeneDx
Classification: Likely benign. Last evaluated: 2018-06-16. Review status: criteria provided, single submitter. Criteria: GeneDx Variant Classification (06012015). Collection method: clinical testing. Allele origin: germline. Affected: yes.
Comment: This variant is considered likely benign or benign based on one or more of the following criteria: it is a conservative change, it occurs at a poorly conserved position in the protein, it is predicted to be benign by multiple in silico algorithms, and/or has population frequency not consistent with disease.

NM_022114.4(PRDM16):c.884+149C>G

Gene: PRDM16 (PR/SET domain 16; plus strand). Cytogenetic location: 1p36.32.
Variant type: single nucleotide variant.
Coding change: c.884+149C>G on transcript NM_022114.4 (MANE Select); 149 bases into the intron after coding-DNA position 884, C replaced by G.
Molecular consequence: intron variant.
Genome position (GRCh38, 1-based): chr1:3,403,147, C>G. VCF-style: chr1-3403147-C-G. GRCh37 (hg19) VCF-style: chr1-3319711-C-G.
Other names: c.884+149C>G (NM_199454.3).
Identifiers: ClinVar variation 674873 (VCV000674873.1), dbSNP rs182476908, ClinGen allele CA10656203.